The following is an entry in ClinVar:

ClinVar aggregate classification (germline): Conflicting classifications of pathogenicity. Review status: criteria provided, conflicting classifications (1 of 4 stars). 2 submissions from 2 submitters: Uncertain significance (1); Likely benign (1). Last evaluated 2026-04-24.

Conditions:
Neuroblastoma, susceptibility to, 3. Also called: ALK-Related Neuroblastic Tumor Susceptibility. Identifiers: Orphanet 635, MedGen C2751681, MONDO:0013083, OMIM 613014.
Hereditary cancer-predisposing syndrome. Also called: Tumor predisposition; Neoplastic Syndromes, Hereditary; Hereditary Cancer Syndrome; Hereditary neoplastic syndrome. Identifiers: Orphanet 140162, MedGen C0027672, MeSH D009386, MONDO:0015356.

Allele frequency attached by ClinVar (database versions not stated): TOPMed below 0.00001.

Submissions (2):

Ambry Genetics
Classification: Likely benign for Hereditary cancer-predisposing syndrome. Last evaluated: 2026-04-24. Review status: criteria provided, single submitter. Criteria: Ambry Variant Classification Scheme 2023. Collection method: clinical testing. Allele origin: germline.

Labcorp Genetics (formerly Invitae), Labcorp
Classification: Uncertain significance for Neuroblastoma, susceptibility to, 3. Last evaluated: 2024-08-03. Review status: criteria provided, single submitter. Criteria: Invitae Variant Classification Sherloc (09022015). Collection method: clinical testing. Allele origin: germline.
Comment: This sequence change replaces alanine, which is neutral and non-polar, with valine, which is neutral and non-polar, at codon 541 of the ALK protein (p.Ala541Val). This variant is not present in population databases (gnomAD no frequency). This variant has not been reported in the literature in individuals affected with ALK-related conditions. ClinVar contains an entry for this variant (Variation ID: 1421026). An algorithm developed to predict the effect of missense changes on protein structure and function (PolyPhen-2) suggests that this variant is likely to be tolerated. In summary, the available evidence is currently insufficient to determine the role of this variant in disease. Therefore, it has been classified as a Variant of Uncertain Significance.

NM_004304.5(ALK):c.1622C>T (p.Ala541Val)

Gene: ALK (ALK receptor tyrosine kinase; minus strand). Cytogenetic location: 2p23.2.
Variant type: single nucleotide variant.
Coding change: c.1622C>T on transcript NM_004304.5 (MANE Select); coding-DNA position 1622, C replaced by T.
Protein change: p.Ala541Val; replaces alanine 541 with valine.
Molecular consequence: missense variant.
Genome position (GRCh38, 1-based): chr2:29,318,329, G>A on the plus strand (C>T on the coding strand, the complement: ALK is on the minus strand). VCF-style: chr2-29318329-G-A. GRCh37 (hg19) VCF-style: chr2-29541195-G-A.
Other names: c.1622C>T (NM_004304.4); short protein forms A541V.
Identifiers: ClinVar variation 1421026 (VCV001421026.9), dbSNP rs1553409296, ClinGen allele CA346470967.
Genomic context (GRCh38, chr2:29,318,329, plus strand): 5'-AGAAATTAGAGAACTAGAGAAACAAGGAGACTTGCCTCACATGGAGAGCTCTTGATCGGT[G>A]CAGGAAACGTAGCACTGGTCACTGTAGCACTTTCAGAAGCGGGGACATCAGTGGTACTGA-3'
Protein context (NP_004295.2, residues 531-551): SATVTSATFP[Ala541Val]PIKSSPCELR